The following is an entry in ClinVar:

NM_000057.4(BLM):c.2502T>G (p.Asn834Lys)

Gene: BLM (BLM RecQ like helicase; plus strand). Cytogenetic location: 15q26.1.
Variant type: single nucleotide variant.
Coding change: c.2502T>G on transcript NM_000057.4 (MANE Select); coding-DNA position 2502, T replaced by G.
Protein change: p.Asn834Lys; replaces asparagine 834 with lysine.
Molecular consequence: missense variant.
Genome position (GRCh38, 1-based): chr15:90,769,533, T>G. VCF-style: chr15-90769533-T-G. GRCh37 (hg19) VCF-style: chr15-91312763-T-G.
Other names: c.2502T>G, p.Asn834Lys (NM_001287246.2, NM_001287247.2); c.1377T>G, p.Asn459Lys (NM_001287248.2); short protein forms N459K, N834K.
Identifiers: ClinVar variation 3224230 (VCV003224230.3), dbSNP rs2151166275, ClinGen allele CA393845456.

ClinVar aggregate classification (germline): Uncertain significance. Review status: criteria provided, multiple submitters, no conflicts (2 of 4 stars). 2 submissions from 2 submitters: Uncertain significance (2). Last evaluated 2024-07-30.

Conditions:
Bloom syndrome (BLM). Also called: Bloom-Torre-Machacek syndrome. Identifiers: Orphanet 125, MedGen C0005859, MONDO:0008876, OMIM 210900.
Hereditary cancer-predisposing syndrome. Also called: Tumor predisposition; Hereditary neoplastic syndrome; Hereditary Cancer Syndrome; Neoplastic Syndromes, Hereditary. Identifiers: Orphanet 140162, MedGen C0027672, MeSH D009386, MONDO:0015356.

Submissions (2):

Labcorp Genetics (formerly Invitae), Labcorp
Classification: Uncertain significance for Bloom syndrome. Last evaluated: 2024-07-30. Review status: criteria provided, single submitter. Criteria: Invitae Variant Classification Sherloc (09022015). Collection method: clinical testing. Allele origin: germline.
Comment: This sequence change replaces asparagine, which is neutral and polar, with lysine, which is basic and polar, at codon 834 of the BLM protein (p.Asn834Lys). This variant is not present in population databases (gnomAD no frequency). This variant has not been reported in the literature in individuals affected with BLM-related conditions. Advanced modeling of protein sequence and biophysical properties (such as structural, functional, and spatial information, amino acid conservation, physicochemical variation, residue mobility, and thermodynamic stability) performed at Invitae indicates that this missense variant is expected to disrupt BLM protein function with a positive predictive value of 80%. In summary, the available evidence is currently insufficient to determine the role of this variant in disease. Therefore, it has been classified as a Variant of Uncertain Significance.

Ambry Genetics
Classification: Uncertain significance for Hereditary cancer-predisposing syndrome. Last evaluated: 2024-01-11. Review status: criteria provided, single submitter. Criteria: Ambry Variant Classification Scheme 2023. Collection method: clinical testing. Allele origin: germline.
Comment: The p.N834K variant (also known as c.2502T>G), located in coding exon 11 of the BLM gene, results from a T to G substitution at nucleotide position 2502. The asparagine at codon 834 is replaced by lysine, an amino acid with similar properties. This amino acid position is conserved. In addition, this alteration is predicted to be tolerated by in silico analysis. Since supporting evidence is limited at this time, the clinical significance of this alteration remains unclear.